The following is an entry in ClinVar:

ClinVar aggregate classification (germline): Pathogenic. Review status: criteria provided, multiple submitters, no conflicts (2 of 4 stars). 2 submissions from 2 submitters: Pathogenic (2). Last evaluated 2024-11-08.

Conditions:
Exostoses, multiple, type 2 (EXT2). Also called: Hereditary Multiple Osteochondromatosis, Type II; EXOSTOSES, MULTIPLE, TYPE II. Identifiers: Orphanet 321, MedGen C1851413, MONDO:0007586, OMIM 133701.

Allele frequency attached by ClinVar (database versions not stated): gnomAD exomes below 0.00001.
gnomAD v4.1: 1 of 1,614,086 alleles (0.000062%); highest among the groups gnomAD compares: Non-Finnish European, 0.000085%; no homozygotes.

Submissions (2):

Molecular Pathology, Peter Maccallum Cancer Centre
Classification: Pathogenic for Exostoses, multiple, type 2. Last evaluated: 2024-11-08. Review status: criteria provided, single submitter. Criteria: ACMG Guidelines, 2015. Collection method: clinical testing. Allele origin: germline. Inheritance: Autosomal dominant inheritance.

Labcorp Genetics (formerly Invitae), Labcorp
Classification: Pathogenic for Exostoses, multiple, type 2. Last evaluated: 2022-04-03. Review status: criteria provided, single submitter. Criteria: Invitae Variant Classification Sherloc (09022015). Collection method: clinical testing. Allele origin: germline.
Comment: This premature translational stop signal has been observed in individual(s) with multiple osteochondromas (PMID: 17041877). For these reasons, this variant has been classified as Pathogenic. This variant is not present in population databases (gnomAD no frequency). This sequence change creates a premature translational stop signal (p.Tyr252*) in the EXT2 gene. It is expected to result in an absent or disrupted protein product. Loss-of-function variants in EXT2 are known to be pathogenic (PMID: 10679937, 19810120).

Literature cited by the submitters: PubMed 17041877 (cited by Labcorp Genetics (formerly Invitae), Labcorp); PubMed 10679937 (cited by Labcorp Genetics (formerly Invitae), Labcorp); PubMed 19810120 (cited by Labcorp Genetics (formerly Invitae), Labcorp).

NM_207122.2(EXT2):c.756C>G (p.Tyr252Ter)

Gene: EXT2 (exostosin glycosyltransferase 2; plus strand). Cytogenetic location: 11p11.2.
Variant type: single nucleotide variant.
Coding change: c.756C>G on transcript NM_207122.2 (MANE Select); coding-DNA position 756, C replaced by G.
Protein change: p.Tyr252Ter; replaces tyrosine 252 with a stop codon.
Molecular consequence: nonsense.
Genome position (GRCh38, 1-based): chr11:44,124,801, C>G. VCF-style: chr11-44124801-C-G. GRCh37 (hg19) VCF-style: chr11-44146351-C-G.
Other names: c.756C>G, p.Tyr252Ter (NM_001178083.3, NM_001389628.1, NM_001389630.1); c.855C>G, p.Tyr285Ter (NM_000401.3); short protein forms Y252*, Y285*.
Identifiers: ClinVar variation 2137060 (VCV002137060.5), dbSNP rs1954373394, ClinGen allele CA380166667.